The following is an entry in ClinVar:

NM_014629.4(ARHGEF10):c.145G>A (p.Ala49Thr)

Gene: ARHGEF10 (Rho guanine nucleotide exchange factor 10; plus strand). Cytogenetic location: 8p23.3.
Variant type: single nucleotide variant.
Coding change: c.145G>A on transcript NM_014629.4 (MANE Select); coding-DNA position 145, G replaced by A.
Protein change: p.Ala49Thr; replaces alanine 49 with threonine.
Molecular consequence: missense variant.
Genome position (GRCh38, 1-based): chr8:1,858,067, G>A. VCF-style: chr8-1858067-G-A. GRCh37 (hg19) VCF-style: chr8-1806233-G-A.
Other names: c.145G>A, p.Ala49Thr (NM_001308152.2, NM_001308153.3); short protein forms A73T, A49T.
Identifiers: ClinVar variation 2903649 (VCV002903649.4), dbSNP rs559084209, ClinGen allele CA4599606.

ClinVar aggregate classification (germline): Uncertain significance. Review status: criteria provided, multiple submitters, no conflicts (2 of 4 stars). 2 submissions from 2 submitters: Uncertain significance (2). Last evaluated 2025-01-29.

Allele frequency attached by ClinVar (database versions not stated): gnomAD 0.00011; 1000 Genomes Project 0.00020; 1000 Genomes Project 30x 0.00031.
gnomAD v4.1: 49 of 1,614,046 alleles (0.003%); highest among the groups gnomAD compares: African/African-American, 0.02%; no homozygotes.

Submissions (2):

Ambry Genetics
Classification: Uncertain significance. Last evaluated: 2025-01-29. Review status: criteria provided, single submitter. Criteria: Ambry Variant Classification Scheme 2023. Collection method: clinical testing. Allele origin: germline.

Labcorp Genetics (formerly Invitae), Labcorp
Classification: Uncertain significance. Last evaluated: 2023-08-10. Review status: criteria provided, single submitter. Criteria: Invitae Variant Classification Sherloc (09022015). Collection method: clinical testing. Allele origin: germline.
Comment: This sequence change replaces alanine, which is neutral and non-polar, with threonine, which is neutral and polar, at codon 49 of the ARHGEF10 protein (p.Ala49Thr). This variant is present in population databases (rs559084209, gnomAD 0.04%). This variant has not been reported in the literature in individuals affected with ARHGEF10-related conditions. Algorithms developed to predict the effect of missense changes on protein structure and function output the following: SIFT: "Not Available"; PolyPhen-2: "Benign"; Align-GVGD: "Not Available". The threonine amino acid residue is found in multiple mammalian species, which suggests that this missense change does not adversely affect protein function. In summary, the available evidence is currently insufficient to determine the role of this variant in disease. Therefore, it has been classified as a Variant of Uncertain Significance.